The following is an entry in ClinVar:

NM_018941.4(CLN8):c.709G>C (p.Gly237Arg)

Gene: CLN8 (CLN8 transmembrane ER and ERGIC protein; plus strand). Cytogenetic location: 8p23.3.
Variant type: single nucleotide variant.
Coding change: c.709G>C on transcript NM_018941.4 (MANE Select); coding-DNA position 709, G replaced by C.
Protein change: p.Gly237Arg; replaces glycine 237 with arginine.
Molecular consequence: missense variant.
Genome position (GRCh38, 1-based): chr8:1,780,415, G>C. VCF-style: chr8-1780415-G-C. GRCh37 (hg19) VCF-style: chr8-1728581-G-C.
Other names: short protein forms G237R.
Identifiers: ClinVar variation 2100686 (VCV002100686.4), dbSNP rs746645358, ClinGen allele CA369954161.

ClinVar aggregate classification (germline): Likely pathogenic (1 of 4 stars; one submission).

Conditions:
Neuronal ceroid lipofuscinosis. Also called: Neuronal Ceroid Lipofuscinoses. Identifiers: Orphanet 216, Orphanet 79263, MedGen C0027877, MONDO:0016295. Disease mechanism: loss of function.

Submission:

Labcorp Genetics (formerly Invitae), Labcorp
Classification: Likely pathogenic for Neuronal ceroid lipofuscinosis. Last evaluated: 2022-02-28. Review status: criteria provided, single submitter. Criteria: Invitae Variant Classification Sherloc (09022015). Collection method: clinical testing. Allele origin: germline.
Comment: In summary, the currently available evidence indicates that the variant is pathogenic, but additional data are needed to prove that conclusively. Therefore, this variant has been classified as Likely Pathogenic. Advanced modeling of protein sequence and biophysical properties (such as structural, functional, and spatial information, amino acid conservation, physicochemical variation, residue mobility, and thermodynamic stability) performed at Invitae indicates that this missense variant is expected to disrupt CLN8 protein function. This missense change has been observed in individuals with neuronal ceroid lipofuscinosis (PMID: 19201763, 19807737, 21990111, 33358637). This variant is not present in population databases (gnomAD no frequency). This sequence change replaces glycine, which is neutral and non-polar, with arginine, which is basic and polar, at codon 237 of the CLN8 protein (p.Gly237Arg).

Literature cited by the submitters: PubMed 19201763; PubMed 19807737; PubMed 21990111; PubMed 33358637.